The following is an entry in ClinVar:

NM_133259.4(LRPPRC):c.531T>A (p.Tyr177Ter)

Gene: LRPPRC (leucine rich pentatricopeptide repeat containing; minus strand). Cytogenetic location: 2p21.
Variant type: single nucleotide variant.
Coding change: c.531T>A on transcript NM_133259.4 (MANE Select); coding-DNA position 531, T replaced by A.
Protein change: p.Tyr177Ter; replaces tyrosine 177 with a stop codon.
Molecular consequence: nonsense.
Genome position (GRCh38, 1-based): chr2:43,977,215, A>T on the plus strand (T>A on the coding strand, the complement: LRPPRC is on the minus strand). VCF-style: chr2-43977215-A-T. GRCh37 (hg19) VCF-style: chr2-44204354-A-T.
Other names: short protein forms Y177*.
Identifiers: ClinVar variation 1725094 (VCV001725094.2), dbSNP rs1674097675, ClinGen allele CA346675947.

ClinVar aggregate classification (germline): Likely pathogenic (1 of 4 stars; one submission).

Conditions:
Congenital lactic acidosis, Saguenay-Lac-Saint-Jean type (MC4DN5). Also called: MITOCHONDRIAL COMPLEX IV DEFICIENCY, NUCLEAR TYPE 5; CYTOCHROME c OXIDASE DEFICIENCY, FRENCH CANADIAN TYPE; COX DEFICIENCY, FRENCH CANADIAN TYPE. Identifiers: Orphanet 70472, MedGen C1857355, MONDO:0009069, OMIM 220111.

Submission:

Myriad Genetics, Inc.
Classification: Likely pathogenic for Congenital lactic acidosis, Saguenay-Lac-Saint-Jean type. Last evaluated: 2022-03-08. Review status: criteria provided, single submitter. Criteria: Myriad Women's Health Autosomal Recessive and X-Linked Classification Criteria (2021). Collection method: clinical testing. Allele origin: unknown.
Comment: NM_133259.3(LRPPRC):c.531T>A(Y177*) is expected to be pathogenic in the context of Leigh syndrome, French-Canadian type. This variant is predicted to lead to an abnormal or absent protein product due to the creation of a premature termination codon in LRPPRC, a gene where loss-of-function variants are known to be pathogenic. Please note: this variant was assessed in the context of healthy population screening.